The following is an entry in ClinVar:

ClinVar aggregate classification (germline): Uncertain significance (1 of 4 stars; one submission).

Conditions:
Infantile cerebellar-retinal degeneration (ICRD). Identifiers: Orphanet 313850, MedGen C3281192, MONDO:0013802, OMIM 614559.

Submission:

3billion
Classification: Uncertain significance for Infantile cerebellar-retinal degeneration. Last evaluated: 2025-01-13. Review status: criteria provided, single submitter. Criteria: ACMG Guidelines, 2015. Collection method: clinical testing. Allele origin: germline. Affected: yes.
Comment: The variant is not observed in the gnomAD v4.1.0 dataset. Predicted Consequence/Location: Missense variant In silico tool predictions suggest damaging effect of the variant on gene or gene product [REVEL: 0.72 (>=0.6, sensitivity 0.68 and specificity 0.92)]. Therefore, this variant is classified as VUS according to the recommendation of ACMG/AMP guideline.

NM_001098.3(ACO2):c.2261T>C (p.Leu754Pro)

Genes: ACO2 (aconitase 2; plus strand), POLR3H (RNA polymerase III subunit H; minus strand). Cytogenetic location: 22q13.2.
Variant type: single nucleotide variant.
Coding change: c.2261T>C on transcript NM_001098.3 (MANE Select); coding-DNA position 2261, T replaced by C.
Protein change: p.Leu754Pro; replaces leucine 754 with proline.
Molecular consequence: missense variant. On other transcripts: 3 prime UTR variant (5).
Genome position (GRCh38, 1-based): chr22:41,528,531, T>C. VCF-style: chr22-41528531-T-C. GRCh37 (hg19) VCF-style: chr22-41924535-T-C.
Other names: c.*752A>G (NM_001018050.4, NM_001018052.4, NM_001282884.2 and 2 more transcripts); short protein forms L754P.
Identifiers: ClinVar variation 4293280 (VCV004293280.1).